The following is an entry in ClinVar:

ClinVar aggregate classification (germline): Pathogenic/Likely pathogenic. Review status: criteria provided, multiple submitters, no conflicts (2 of 4 stars). 3 submissions from 3 submitters: Pathogenic (1); Likely pathogenic (1). 1 of the submissions does not count toward it. Last evaluated 2025-10-10.

Conditions:
Distichiasis-lymphedema syndrome. Also called: LYMPHEDEMA WITH DISTICHIASIS. Identifiers: Orphanet 33001, MedGen C0265345, MONDO:0007922, OMIM 153400.

Submissions (3):

Labcorp Genetics (formerly Invitae), Labcorp
Classification: Pathogenic. Last evaluated: 2025-10-10. Review status: criteria provided, single submitter. Criteria: Invitae Variant Classification Sherloc (09022015). Collection method: clinical testing. Allele origin: germline.
Comment: This sequence change creates a premature translational stop signal (p.Tyr99*) in the FOXC2 gene. While this is not anticipated to result in nonsense mediated decay, it is expected to disrupt the last 403 amino acid(s) of the FOXC2 protein. This variant is not present in population databases (gnomAD no frequency). This premature translational stop signal has been observed in individual(s) with lymphedema-distichiasis syndrome (PMID: 11078474). ClinVar contains an entry for this variant (Variation ID: 7249). This variant disrupts a region of the FOXC2 protein in which other variant(s) (p.Tyr313Argfs*152) have been determined to be pathogenic (PMID: 11371511, 35716761). This suggests that this is a clinically significant region of the protein, and that variants that disrupt it are likely to be disease-causing. For these reasons, this variant has been classified as Pathogenic.

3billion
Classification: Likely pathogenic for Distichiasis-lymphedema syndrome. Last evaluated: 2022-03-22. Review status: criteria provided, single submitter. Criteria: ACMG Guidelines, 2015. Collection method: clinical testing. Allele origin: germline. Affected: yes. Observed: 1 heterozygote.
Comment: Stop-gained (nonsense): predicted to result in a loss or disruption of normal protein function through protein truncation. Multiple pathogenic variants are reported in the predicted truncated region.. This variant has been reported as pathogenic (ClinVar ID: VCV000007249, PMID:11078474).It is not observed in the gnomAD v2.1.1 dataset. Therefore, this variant is classified as likely pathogenic according to the recommendation of ACMG/AMP guideline.

OMIM
Classification: Pathogenic for LYMPHEDEMA-DISTICHIASIS SYNDROME. Last evaluated: 2000-12-01. Review status: no assertion criteria provided. Collection method: literature only. Allele origin: germline. Not counted in ClinVar's aggregate classification.

Literature cited by the submitters: PubMed 11078474 (cited by 3 submitters); PubMed 11371511 (cited by Labcorp Genetics (formerly Invitae), Labcorp); PubMed 35716761 (cited by Labcorp Genetics (formerly Invitae), Labcorp).

NM_005251.3(FOXC2):c.297C>G (p.Tyr99Ter)

Genes: FOXC2 (forkhead box C2; plus strand), FOXC2-AS1 (FOXC2 antisense RNA 1; minus strand). Cytogenetic location: 16q24.1.
Variant type: single nucleotide variant.
Coding change: c.297C>G on transcript NM_005251.3 (MANE Select); coding-DNA position 297, C replaced by G.
Protein change: p.Tyr99Ter; replaces tyrosine 99 with a stop codon.
Molecular consequence: nonsense. On other transcripts: non-coding transcript variant (1).
Genome position (GRCh38, 1-based): chr16:86,567,632, C>G. VCF-style: chr16-86567632-C-G. GRCh37 (hg19) VCF-style: chr16-86601238-C-G.
Other names: short protein forms Y99*.
Identifiers: ClinVar variation 7249 (VCV000007249.3), dbSNP rs104894516, ClinGen allele CA254124.